The following is an entry in ClinVar:

NM_004320.6(ATP2A1):c.2862+1G>A

Gene: ATP2A1 (ATPase sarcoplasmic/endoplasmic reticulum Ca2+ transporting 1; plus strand). Cytogenetic location: 16p11.2.
Variant type: single nucleotide variant.
Coding change: c.2862+1G>A on transcript NM_004320.6 (MANE Select); the canonical splice donor site of the intron after coding-DNA position 2862, G replaced by A.
Molecular consequence: splice donor variant.
Genome position (GRCh38, 1-based): chr16:28,903,148, G>A. VCF-style: chr16-28903148-G-A. GRCh37 (hg19) VCF-style: chr16-28914469-G-A.
Other names: c.2862+1G>A (NM_173201.5); c.2487+1G>A (NM_001286075.2).
Identifiers: ClinVar variation 493178 (VCV000493178.45), dbSNP rs755227074, ClinGen allele CA7987418.
Genomic context (GRCh38, chr16:28,903,148, plus strand): 5'-GGCTCCATCTGCCTCTCCATGTCCCTGCACTTCCTCATCCTCTATGTTGACCCCCTGCCG[G>A]TGAGGTTTCTTCCGCCCAGGGCCGCCCACCCCAGCACTGGGGAGCCCACGGCGGGCCCAT-3'

ClinVar aggregate classification (germline): Pathogenic/Likely pathogenic. Review status: criteria provided, multiple submitters, no conflicts (2 of 4 stars). 2 submissions from 2 submitters: Pathogenic (1); Likely pathogenic (1). Last evaluated 2017-09-01.

Conditions:
Brody myopathy. Also called: BRODY DISEASE. Identifiers: Orphanet 53347, MedGen C1832918, MONDO:0010977, OMIM 601003.

Allele frequency attached by ClinVar (database versions not stated): ExAC 0.00002; gnomAD exomes 0.00002.
gnomAD v4.1: 9 of 1,613,372 alleles (0.00056%); highest among the groups gnomAD compares: South Asian, 0.0099%; no homozygotes.

Submissions (2):

CeGaT Center for Human Genetics Tuebingen
Classification: Likely pathogenic. Last evaluated: 2017-09-01. Review status: criteria provided, single submitter. Criteria: CeGaT Center For Human Genetics Tuebingen Variant Classification Criteria Version 2. Collection method: clinical testing. Allele origin: germline. Affected: yes. Observed: 1 variant allele.

Juno Genomics, Hangzhou Juno Genomics, Inc
Classification: Pathogenic for Brody myopathy. Review status: criteria provided, single submitter. Criteria: ACMG Guidelines, 2015. Collection method: clinical testing. Allele origin: germline. Affected: yes.
Comment: Absent from controls (or at extremely low frequency if recessive) in Genome Aggregation Database, Exome Sequencing Project, 1000 Genomes Project, or Exome Aggregation Consortium.;Null variant in a gene where loss of function (LOF) is a known mechanism of disease.;For recessive disorders, detected in trans with a pathogenic variant.